The following is an entry in ClinVar:

ClinVar aggregate classification (germline): Uncertain significance (1 of 4 stars; one submission).

Conditions:
BAP1-related tumor predisposition syndrome (TPDS1). Also called: BAP1 tumor predisposition syndrome; Tumor susceptibility linked to germline BAP1 mutations; COMMON Syndrome; TUMOR PREDISPOSITION SYNDROME 1. Identifiers: Orphanet 289539, MedGen C3280492, MONDO:0013692, OMIM 614327.

Submission:

Labcorp Genetics (formerly Invitae), Labcorp
Classification: Uncertain significance for BAP1-related tumor predisposition syndrome. Last evaluated: 2025-07-11. Review status: criteria provided, single submitter. Criteria: Invitae Variant Classification Sherloc (09022015). Collection method: clinical testing. Allele origin: germline.
Comment: This sequence change falls in intron 7 of the BAP1 gene. It does not directly change the encoded amino acid sequence of the BAP1 protein. It affects a nucleotide within the consensus splice site. This variant is not present in population databases (gnomAD no frequency). This variant has not been reported in the literature in individuals affected with BAP1-related conditions. Variants that disrupt the consensus splice site are a relatively common cause of aberrant splicing (PMID: 17576681, 9536098). Algorithms developed to predict the effect of sequence changes on RNA splicing suggest that this variant may disrupt the consensus splice site. In summary, the available evidence is currently insufficient to determine the role of this variant in disease. Therefore, it has been classified as a Variant of Uncertain Significance.

Literature cited by the submitters: PubMed 17576681; PubMed 9536098.

NM_004656.4(BAP1):c.580+3A>G

Gene: BAP1 (BRCA1 associated deubiquitinase 1; minus strand). Cytogenetic location: 3p21.1.
Variant type: single nucleotide variant.
Coding change: c.580+3A>G on transcript NM_004656.4 (MANE Select); 3 bases into the intron after coding-DNA position 580, A replaced by G.
Molecular consequence: intron variant.
Genome position (GRCh38, 1-based): chr3:52,407,171, T>C on the plus strand (A>G on the coding strand, the complement: BAP1 is on the minus strand). VCF-style: chr3-52407171-T-C. GRCh37 (hg19) VCF-style: chr3-52441187-T-C.
Other names: c.580+3A>G (NM_001410772.1).
Identifiers: ClinVar variation 4722374 (VCV004722374.1).
Genomic context (GRCh38, chr3:52,407,171, plus strand): 5'-GAGCCCCAGCTCCCTAGGAGGTAGGCAGAGACACCCAACAGGCCTCCAGCTCATGGTGCC[T>C]ACCATGGTCAATGGGGTAGACCTTCAGCCCATCCAGCTCAAAGAGCCGGCCTGTGATAGG-3'